The following is an entry in ClinVar:

NM_022132.5(MCCC2):c.1144_1147inv (p.Lys382_Lys383delinsPheTer)

Gene: MCCC2 (methylcrotonyl-CoA carboxylase subunit 2; plus strand). Cytogenetic location: 5q13.2.
Variant type: Inversion.
Coding change: c.1144_1147inv on transcript NM_022132.5 (MANE Select).
Protein change: p.Lys382_Lys383delinsPheTer.
Molecular consequence: nonsense.
Genome position: GRCh38 VCF-style: chr5-71643890-AAAA-TTTT. GRCh37 (hg19) VCF-style: chr5-70939717-AAAA-TTTT.
Other names: c.1144_1147delAAAAinsTTTT (NM_022132.4); c.1030_1033inv, p.Lys344_Lys345delinsPheTer (NM_001363147.1).
Identifiers: ClinVar variation 1402549 (VCV001402549.9), ClinGen allele CA2573139757.
Genomic context (GRCh38, chr5:71,643,890, plus strand): 5'-ATATTTGGGTACCCAGTAGGTATCGTTGGAAACAACGGAGTTCTCTTTTCTGAATCTGCA[AAAA>TTTT]AGGCAAGTACTGTTAAAAATATTTCAAGATTTTCTGTTTTAATTTAACATAACGTTGAAG-3'

ClinVar aggregate classification (germline): Pathogenic. Review status: criteria provided, multiple submitters, no conflicts (2 of 4 stars). 2 submissions from 2 submitters: Pathogenic (2). Last evaluated 2025-07-22.

Conditions:
3-methylcrotonyl-CoA carboxylase 2 deficiency. Also called: 3 alpha methylcrotonyl-CoA carboxylase 2 deficiency; 3 alpha methylcrotonylglycinuria 2; MCC 2 deficiency; Methylcrotonylglycinuria type 2; METHYLCROTONYLGLYCINURIA, TYPE II. Identifiers: Orphanet 6, MedGen C1859499, MONDO:0008862, OMIM 210210.

Submissions (2):

Natera, Inc.
Classification: Pathogenic for 3-methylcrotonyl-CoA carboxylase 2 deficiency. Last evaluated: 2025-07-22. Review status: criteria provided, single submitter. Criteria: Natera Variant Classification Schema (03/2026). Collection method: clinical testing. Allele origin: germline.
Comment: The c.1144_1147delAAAAinsTTTT variant in MCCC2 is a deletion-insertion (delins) variant predicted to replace one or more nucleotides with a different sequence. This variant is expected to result in nonsense mediated decay, truncation, or a dysfunctional protein product. This variant is rare in the general population with a frequency below the threshold expected for the associated phenotype(s). This variant has been observed in one or more individuals affected with the associated recessive disease, as either homozygous or compound heterozygous with a second variant (PMID: 36822454). Given the available evidence, this variant is classified as Pathogenic.

Labcorp Genetics (formerly Invitae), Labcorp
Classification: Pathogenic for 3-methylcrotonyl-CoA carboxylase 2 deficiency. Last evaluated: 2023-02-07. Review status: criteria provided, single submitter. Criteria: Invitae Variant Classification Sherloc (09022015). Collection method: clinical testing. Allele origin: germline.
Comment: This sequence change creates a premature translational stop signal (p.Lys382_Lys383delinsPhe*) in the MCCC2 gene. It is expected to result in an absent or disrupted protein product. Loss-of-function variants in MCCC2 are known to be pathogenic (PMID: 11181649, 22642865). Information on the frequency of this variant in the gnomAD database is not available, as this variant may be reported differently in the database. This variant has not been reported in the literature in individuals affected with MCCC2-related conditions. ClinVar contains an entry for this variant (Variation ID: 1402549). For these reasons, this variant has been classified as Pathogenic.

Literature cited by the submitters: PubMed 36822454 (cited by Natera, Inc.); PubMed 11181649 (cited by Labcorp Genetics (formerly Invitae), Labcorp); PubMed 22642865 (cited by Labcorp Genetics (formerly Invitae), Labcorp).